The following is an entry in ClinVar:

ClinVar aggregate classification (germline): Uncertain significance. Review status: criteria provided, multiple submitters, no conflicts (2 of 4 stars). 3 submissions from 3 submitters: Uncertain significance (3). Last evaluated 2026-03-24.

Conditions:
Hereditary cancer-predisposing syndrome. Also called: Hereditary Cancer Syndrome; Neoplastic Syndromes, Hereditary; Tumor predisposition; Hereditary neoplastic syndrome. Identifiers: Orphanet 140162, MedGen C0027672, MeSH D009386, MONDO:0015356.
Familial adenomatous polyposis 1 (FAP1). Also called: FAMILIAL ADENOMATOUS POLYPOSIS 1, ATTENUATED; POLYPOSIS, ADENOMATOUS INTESTINAL. Identifiers: MedGen C2713442, MONDO:0021056, OMIM 175100. Disease mechanism: loss of function.

Allele frequency attached by ClinVar (database versions not stated): gnomAD exomes 0.00001.
gnomAD v4.1: 13 of 1,613,966 alleles (0.00081%); highest among the groups gnomAD compares: Non-Finnish European, 0.001%; no homozygotes.

Submissions (3):

Ambry Genetics
Classification: Uncertain significance for Hereditary cancer-predisposing syndrome. Last evaluated: 2026-03-24. Review status: criteria provided, single submitter. Criteria: Ambry Variant Classification Scheme 2023. Collection method: clinical testing. Allele origin: germline.
Comment: The p.K1982Q variant (also known as c.5944A>C), located in coding exon 15 of the APC gene, results from an A to C substitution at nucleotide position 5944. The lysine at codon 1982 is replaced by glutamine, an amino acid with similar properties. This amino acid position is highly conserved in available vertebrate species. In addition, in silico predictors for this gene do not accurately predict pathogenicity. Missense variants in APC are not a common cause of disease (Spier I et al. Genet Med. 2024 Feb;26(2):100992). Based on the available evidence, the clinical significance of this variant remains unclear.

Molecular Pathology, Peter Maccallum Cancer Centre
Classification: Uncertain significance for Familial adenomatous polyposis 1. Last evaluated: 2024-09-26. Review status: criteria provided, single submitter. Criteria: ACMG Guidelines, 2015. Collection method: clinical testing. Allele origin: germline. Inheritance: Autosomal dominant inheritance.

Labcorp Genetics (formerly Invitae), Labcorp
Classification: Uncertain significance for Familial adenomatous polyposis 1. Last evaluated: 2021-08-28. Review status: criteria provided, single submitter. Criteria: Invitae Variant Classification Sherloc (09022015). Collection method: clinical testing. Allele origin: germline.
Comment: In summary, the available evidence is currently insufficient to determine the role of this variant in disease. Therefore, it has been classified as a Variant of Uncertain Significance. Algorithms developed to predict the effect of missense changes on protein structure and function are either unavailable or do not agree on the potential impact of this missense change (SIFT: "Deleterious"; PolyPhen-2: "Possibly Damaging"; Align-GVGD: "Class C0"). This variant has not been reported in the literature in individuals with APC-related conditions. This variant is not present in population databases (ExAC no frequency). This sequence change replaces lysine with glutamine at codon 1982 of the APC protein (p.Lys1982Gln). The lysine residue is highly conserved and there is a small physicochemical difference between lysine and glutamine.

NM_000038.6(APC):c.5944A>C (p.Lys1982Gln)

Gene: APC (APC regulator of Wnt signaling pathway; plus strand). Cytogenetic location: 5q22.2.
Variant type: single nucleotide variant.
Coding change: c.5944A>C on transcript NM_000038.6 (MANE Select); coding-DNA position 5944, A replaced by C.
Protein change: p.Lys1982Gln; replaces lysine 1982 with glutamine.
Molecular consequence: missense variant.
Genome position (GRCh38, 1-based): chr5:112,841,538, A>C. VCF-style: chr5-112841538-A-C. GRCh37 (hg19) VCF-style: chr5-112177235-A-C.
Other names: c.5944A>C, p.Lys1982Gln (NM_001127510.3, NM_001354895.2); c.5890A>C, p.Lys1964Gln (NM_001127511.3); c.5998A>C, p.Lys2000Gln (NM_001354896.2); c.5974A>C, p.Lys1992Gln (NM_001354897.2); c.5869A>C, p.Lys1957Gln (NM_001354898.2); c.5860A>C, p.Lys1954Gln (NM_001354899.2); c.5821A>C, p.Lys1941Gln (NM_001354900.2); c.5767A>C, p.Lys1923Gln (NM_001354901.2); and 5 more; short protein forms K1699Q, K1891Q, K1941Q, K1964Q, K1881Q, K1923Q, K2000Q, K1822Q.
Identifiers: ClinVar variation 942777 (VCV000942777.13), dbSNP rs876660665, ClinGen allele CA16034340.